The following is an entry in ClinVar:

NM_003183.6(ADAM17):c.2389G>T (p.Asp797Tyr)

Genes: ADAM17 (ADAM metallopeptidase domain 17; minus strand), IAH1 (isoamyl acetate hydrolyzing esterase 1 (putative); plus strand). Cytogenetic location: 2p25.1.
Variant type: single nucleotide variant.
Coding change: c.2389G>T on transcript NM_003183.6 (MANE Select); coding-DNA position 2389, G replaced by T.
Protein change: p.Asp797Tyr; replaces aspartic acid 797 with tyrosine.
Molecular consequence: missense variant.
Genome position (GRCh38, 1-based): chr2:9,490,263, C>A on the plus strand (G>T on the coding strand, the complement: ADAM17 is on the minus strand). VCF-style: chr2-9490263-C-A. GRCh37 (hg19) VCF-style: chr2-9630392-C-A.
Other names: c.2389G>T (NM_003183.4); c.1729G>T, p.Asp577Tyr (NM_001382777.1); c.1492G>T, p.Asp498Tyr (NM_001382778.1); short protein forms D577Y, D498Y, D797Y.
Identifiers: ClinVar variation 1348398 (VCV001348398.14), dbSNP rs1228003788, ClinGen allele CA345794315.

ClinVar aggregate classification (germline): Uncertain significance. Review status: criteria provided, multiple submitters, no conflicts (2 of 4 stars). 3 submissions from 3 submitters: Uncertain significance (3). Last evaluated 2025-04-01.

Conditions:
Inborn genetic diseases. Identifiers: MedGen C0950123, MeSH D030342.
Inflammatory skin and bowel disease, neonatal, 1. Identifiers: Orphanet 294023, MedGen C3280501, MONDO:0013693, OMIM 614328.

Allele frequency attached by ClinVar (database versions not stated): gnomAD 0.00001; gnomAD exomes 0.00001; TOPMed 0.00001.
gnomAD v4.1: 9 of 1,613,910 alleles (0.00056%); highest among the groups gnomAD compares: Non-Finnish European, 0.00076%; no homozygotes.

Submissions (3):

CeGaT Center for Human Genetics Tuebingen
Classification: Uncertain significance. Last evaluated: 2025-04-01. Review status: criteria provided, single submitter. Criteria: CeGaT Center For Human Genetics Tuebingen Variant Classification Criteria Version 2. Collection method: clinical testing. Allele origin: germline. Affected: yes. Observed: 1 variant allele.
Comment: ADAM17: PM2, BP4

Labcorp Genetics (formerly Invitae), Labcorp
Classification: Uncertain significance for Inflammatory skin and bowel disease, neonatal, 1. Last evaluated: 2024-10-14. Review status: criteria provided, single submitter. Criteria: Invitae Variant Classification Sherloc (09022015). Collection method: clinical testing. Allele origin: germline.
Comment: This sequence change replaces aspartic acid, which is acidic and polar, with tyrosine, which is neutral and polar, at codon 797 of the ADAM17 protein (p.Asp797Tyr). The frequency data for this variant in the population databases is considered unreliable, as metrics indicate poor data quality at this position in the gnomAD database. This variant has not been reported in the literature in individuals affected with ADAM17-related conditions. ClinVar contains an entry for this variant (Variation ID: 1348398). An algorithm developed to predict the effect of missense changes on protein structure and function (PolyPhen-2) suggests that this variant is likely to be disruptive. In summary, the available evidence is currently insufficient to determine the role of this variant in disease. Therefore, it has been classified as a Variant of Uncertain Significance.

Ambry Genetics
Classification: Uncertain significance for Inborn genetic diseases. Last evaluated: 2024-08-27. Review status: criteria provided, single submitter. Criteria: Ambry Variant Classification Scheme 2023. Collection method: clinical testing. Allele origin: germline.